The following is an entry in ClinVar:

NM_000553.6(WRN):c.2009C>T (p.Ala670Val)

Gene: WRN (WRN RecQ like helicase; plus strand). Cytogenetic location: 8p12.
Variant type: single nucleotide variant.
Coding change: c.2009C>T on transcript NM_000553.6 (MANE Select); coding-DNA position 2009, C replaced by T.
Protein change: p.Ala670Val; replaces alanine 670 with valine.
Molecular consequence: missense variant.
Genome position (GRCh38, 1-based): chr8:31,100,876, C>T. VCF-style: chr8-31100876-C-T. GRCh37 (hg19) VCF-style: chr8-30958392-C-T.
Other names: short protein forms A670V.
Identifiers: ClinVar variation 1043664 (VCV001043664.5), dbSNP rs1272066150, ClinGen allele CA370908340.

ClinVar aggregate classification (germline): Uncertain significance (1 of 4 stars; one submission).

Conditions:
Werner syndrome (WRN). Identifiers: Orphanet 902, MedGen C0043119, MONDO:0010196, OMIM 277700.

Allele frequency attached by ClinVar (database versions not stated): gnomAD exomes below 0.00001; TOPMed below 0.00001; gnomAD 0.00001.
gnomAD v4.1: 2 of 1,613,658 alleles (0.00012%); highest among the groups gnomAD compares: Non-Finnish European, 0.00017%; no homozygotes.

Submission:

Labcorp Genetics (formerly Invitae), Labcorp
Classification: Uncertain significance for Werner syndrome. Last evaluated: 2023-12-20. Review status: criteria provided, single submitter. Criteria: Invitae Variant Classification Sherloc (09022015). Collection method: clinical testing. Allele origin: germline.
Comment: This sequence change replaces alanine, which is neutral and non-polar, with valine, which is neutral and non-polar, at codon 670 of the WRN protein (p.Ala670Val). This variant is present in population databases (no rsID available, gnomAD 0.0009%). This variant has not been reported in the literature in individuals affected with WRN-related conditions. ClinVar contains an entry for this variant (Variation ID: 1043664). An algorithm developed to predict the effect of missense changes on protein structure and function (PolyPhen-2) suggests that this variant is likely to be disruptive. In summary, the available evidence is currently insufficient to determine the role of this variant in disease. Therefore, it has been classified as a Variant of Uncertain Significance.